The following is an entry in ClinVar:

NM_024408.4(NOTCH2):c.3143G>A (p.Arg1048His)

Gene: NOTCH2 (notch receptor 2; minus strand). Cytogenetic location: 1p12.
Variant type: single nucleotide variant.
Coding change: c.3143G>A on transcript NM_024408.4 (MANE Select); coding-DNA position 3143, G replaced by A.
Protein change: p.Arg1048His; replaces arginine 1048 with histidine.
Molecular consequence: missense variant.
Genome position (GRCh38, 1-based): chr1:119,940,595, C>T on the plus strand (G>A on the coding strand, the complement: NOTCH2 is on the minus strand). VCF-style: chr1-119940595-C-T. GRCh37 (hg19) VCF-style: chr1-120483218-C-T.
Other names: c.3143G>A, p.Arg1048His (NM_001200001.2); short protein forms R1048H.
Identifiers: ClinVar variation 134964 (VCV000134964.13), dbSNP rs142831890, ClinGen allele CA161255.

ClinVar aggregate classification (germline): Uncertain significance. Review status: criteria provided, single submitter (1 of 4 stars). 3 submissions from 3 submitters: Uncertain significance (1). 2 of the submissions do not count toward it. Last evaluated 2026-01-18.

Conditions:
NOTCH2-related disorder. Also called: NOTCH2-related condition.
Hajdu-Cheney syndrome (HJCYS). Also called: SERPENTINE FIBULA-POLYCYSTIC KIDNEY SYNDROME; ACROOSTEOLYSIS WITH OSTEOPOROSIS AND CHANGES IN SKULL AND MANDIBLE; Acroosteolysis dominant type. Identifiers: Orphanet 955, MedGen C0917715, MONDO:0007057, OMIM 102500.

Allele frequency attached by ClinVar (database versions not stated): TOPMed 0.00005; ExAC 0.00006; gnomAD 0.00007 and 0.00009; gnomAD exomes 0.00007 and 0.00014; ESP Exome Variant Server 0.00015.
gnomAD v4.1: 208 of 1,613,926 alleles (0.013%); highest among the groups gnomAD compares: Non-Finnish European, 0.017%; no homozygotes.

Submissions (3):

Labcorp Genetics (formerly Invitae), Labcorp
Classification: Uncertain significance for Hajdu-Cheney syndrome. Last evaluated: 2026-01-18. Review status: criteria provided, single submitter. Criteria: Invitae Variant Classification Sherloc (09022015). Collection method: clinical testing. Allele origin: germline.
Comment: This sequence change replaces arginine, which is basic and polar, with histidine, which is basic and polar, at codon 1048 of the NOTCH2 protein (p.Arg1048His). This variant is present in population databases (rs142831890, gnomAD 0.02%). This variant has not been reported in the literature in individuals affected with NOTCH2-related conditions. ClinVar contains an entry for this variant (Variation ID: 134964). Invitae Evidence Modeling of protein sequence and biophysical properties (such as structural, functional, and spatial information, amino acid conservation, physicochemical variation, residue mobility, and thermodynamic stability) indicates that this missense variant is not expected to disrupt NOTCH2 protein function with a negative predictive value of 80%. In summary, the available evidence is currently insufficient to determine the role of this variant in disease. Therefore, it has been classified as a Variant of Uncertain Significance.

PreventionGenetics, part of Exact Sciences
Classification: Uncertain significance for NOTCH2-related condition. Last evaluated: 2023-11-27. Review status: no assertion criteria provided. Collection method: clinical testing. Allele origin: germline. Not counted in ClinVar's aggregate classification.
Comment: The NOTCH2 c.3143G>A variant is predicted to result in the amino acid substitution p.Arg1048His. To our knowledge, this variant has not been reported in the literature. This variant is reported in 0.020% of alleles in individuals of South Asian descent in gnomAD. At this time, the clinical significance of this variant is uncertain due to the absence of conclusive functional and genetic evidence.

ITMI
No classification provided. Condition: AllHighlyPenetrant. Last evaluated: 2013-09-19. Review status: no classification provided. Collection method: reference population. Allele origin: germline. Not counted in ClinVar's aggregate classification.
Comment: Please see associated publication for description of ethnicities

Literature cited by the submitters: PubMed 24728327 (cited by ITMI).